The following is an entry in ClinVar:

ClinVar aggregate classification (germline): Uncertain significance (1 of 4 stars; one submission).

Conditions:
Benign neonatal seizures. Also called: Benign neonatal familial convulsions; Benign familial neonatal epilepsy; Convulsions benign familial neonatal dominant form; Autosomal dominant form of benign neonatal seizures; Benign familial neonatal seizures. Identifiers: Orphanet 1949, MedGen C0220669, MONDO:0016027.

Allele frequency attached by ClinVar (database versions not stated): gnomAD exomes below 0.00001.
gnomAD v4.1: 2 of 1,614,204 alleles (0.00012%); highest among the groups gnomAD compares: Non-Finnish European, 0.00017%; no homozygotes.

Submission:

Labcorp Genetics (formerly Invitae), Labcorp
Classification: Uncertain significance for Benign neonatal seizures. Last evaluated: 2021-09-15. Review status: criteria provided, single submitter. Criteria: Invitae Variant Classification Sherloc (09022015). Collection method: clinical testing. Allele origin: germline.
Comment: This variant has not been reported in the literature in individuals affected with KCNQ3-related conditions. In summary, the available evidence is currently insufficient to determine the role of this variant in disease. Therefore, it has been classified as a Variant of Uncertain Significance. Algorithms developed to predict the effect of missense changes on protein structure and function are either unavailable or do not agree on the potential impact of this missense change (SIFT: "Tolerated"; PolyPhen-2: "Probably Damaging"; Align-GVGD: "Class C0"). This variant is not present in population databases (ExAC no frequency). This sequence change replaces isoleucine with valine at codon 809 of the KCNQ3 protein (p.Ile809Val). The isoleucine residue is highly conserved and there is a small physicochemical difference between isoleucine and valine.

NM_004519.4(KCNQ3):c.2425A>G (p.Ile809Val)

Gene: KCNQ3 (potassium voltage-gated channel subfamily Q member 3; minus strand). Cytogenetic location: 8q24.22.
Variant type: single nucleotide variant.
Coding change: c.2425A>G on transcript NM_004519.4 (MANE Select); coding-DNA position 2425, A replaced by G.
Protein change: p.Ile809Val; replaces isoleucine 809 with valine.
Molecular consequence: missense variant.
Genome position (GRCh38, 1-based): chr8:132,129,456, T>C on the plus strand (A>G on the coding strand, the complement: KCNQ3 is on the minus strand). VCF-style: chr8-132129456-T-C. GRCh37 (hg19) VCF-style: chr8-133141703-T-C.
Other names: c.2065A>G, p.Ile689Val (NM_001204824.2); short protein forms I809V, I689V.
Identifiers: ClinVar variation 1514842 (VCV001514842.6), dbSNP rs2130922925, ClinGen allele CA372215924.